The following is an entry in ClinVar:

NM_000492.4(CFTR):c.2052dup (p.Gln685fs)

Gene: CFTR (CF transmembrane conductance regulator; plus strand). Cytogenetic location: 7q31.2.
Variant type: Duplication.
Coding change: c.2052dup on transcript NM_000492.4 (MANE Select); coding-DNA position 2052, one base duplicated (A; older notation c.2052dupA).
Protein change: p.Gln685fs; shifts the reading frame from glutamine 685.
Molecular consequence: frameshift variant.
Genome position (GRCh38, 1-based): chr7:117,592,219, A duplicated; the last of 7 consecutive A bases (chr7:117,592,213-117,592,219); duplicating any one gives the same sequence. VCF-style (leftmost placement, unchanged base first): chr7-117592212-C-CA. GRCh37 (hg19) VCF-style: chr7-117232266-C-CA.
Other names: 2184insA; p.Gln685Thrfs*4; c.2052dupA (NM_000492.3, NM_000492.4); c.2046dupA (NM_000492.4); c.2046dup (NM_000492.4); short protein forms Q685fs.
Identifiers: ClinVar variation 35838 (VCV000035838.76), dbSNP rs121908746, ClinGen allele CA233699.

ClinVar aggregate classification (germline): Pathogenic. Review status: reviewed by expert panel (3 of 4 stars). 31 submissions from 30 submitters: Pathogenic (1). 30 of the submissions do not count toward it. Last evaluated 2017-03-17.

Conditions:
CFTR-related disorder (CFTR-RD). Also called: CFTR-related disorders; CFTR-related condition. Identifiers: MedGen C5924204, MONDO:7770004.
Fetal anomalies with a likely genetic cause.
Cystic fibrosis (CF). Also called: MUCOVISCIDOSIS. Identifiers: Orphanet 586, MedGen C0010674, MONDO:0009061, OMIM 219700. Disease mechanism: loss of function.
Congenital bilateral aplasia of vas deferens from CFTR mutation (CBAVD). Identifiers: Orphanet 48, MedGen C0403814, MONDO:0010178, OMIM 277180. Disease mechanism: loss of function.
Bronchiectasis with or without elevated sweat chloride 1 (BESC1). Also called: Cystic Fibrosis-Like Syndrome. Identifiers: Orphanet 60033, MedGen C2749757, MONDO:0008887, OMIM 211400.
Hereditary pancreatitis (PCTT). Also called: PRSS1-Related Hereditary Pancreatitis; Hereditary chronic pancreatitis. Identifiers: Orphanet 676, MedGen C0238339, MONDO:0008185, OMIM 167800.

Submissions 1 to 12 of 31:

CFTR2
Classification: Pathogenic for Cystic fibrosis. Last evaluated: 2017-03-17. Review status: reviewed by expert panel. Criteria: Sosnay PR et al. (Nat Genet 2013). Collection method: research. Allele origin: germline. Affected: yes. Study: CFTR2.

PreventionGenetics, part of Exact Sciences
Classification: Pathogenic for CFTR-related condition. Last evaluated: 2026-06-09. Review status: criteria provided, single submitter. Criteria: ACMG Guidelines, 2015. Collection method: clinical testing. Allele origin: germline. Not counted in ClinVar's aggregate classification.
Comment: The CFTR c.2052dupA variant is predicted to result in a frameshift and premature protein termination (p.Gln685Thrfs*4). This variant, also described as 2184insA using legacy nomenclature, has been reported to be causative for cystic fibrosis (see for example Doerk et al. 1994. PubMed ID: 7525450; Sosnay et al. 2013. PubMed ID: 23974870). This variant is reported in 0.0065% of alleles in individuals of South Asian descent in gnomAD and is interpreted as pathogenic by multiple laboratories in ClinVar. Frameshift variants in CFTR are expected to be pathogenic. This variant is interpreted as pathogenic.

Institute of Human Genetics, University of Leipzig Medical Center
Classification: Pathogenic for Cystic fibrosis. Last evaluated: 2026-03-16. Review status: criteria provided, single submitter. Criteria: ACMG Guidelines, 2015. Collection method: clinical testing. Allele origin: unknown. Inheritance: Autosomal recessive inheritance. Affected: yes. Not counted in ClinVar's aggregate classification.
Comment: Criteria applied: PVS1,PM3_VSTR

Genetics Laboratory, Great Ormond Street Hospital NHS Foundation Trust, North Thames Genomic Laboratory Hub
Classification: Pathogenic for Fetal anomalies with a likely genetic cause. Last evaluated: 2026-02-06. Review status: criteria provided, single submitter. Criteria: ACGS Best Practice Guidelines for Variant Classification in Rare Disease 2024 v1.2. Collection method: clinical testing. Allele origin: germline. Affected: yes. Not counted in ClinVar's aggregate classification.
Comment: PM2_moderate, PVS1_very-strong

Labcorp Genetics (formerly Invitae), Labcorp
Classification: Pathogenic for Cystic fibrosis. Last evaluated: 2025-12-24. Review status: criteria provided, single submitter. Criteria: Invitae Variant Classification Sherloc (09022015). Collection method: clinical testing. Allele origin: germline. Not counted in ClinVar's aggregate classification.
Comment: This sequence change creates a premature translational stop signal (p.Gln685Thrfs*4) in the CFTR gene. It is expected to result in an absent or disrupted protein product. Loss-of-function variants in CFTR are known to be pathogenic (PMID: 1695717, 7691345, 9725922). This variant is present in population databases (rs746460279, gnomAD 0.007%). This premature translational stop signal has been observed in individuals with cystic fibrosis, pancreatitis, and congenital absence of the vas deferens (PMID: 7525450, 9272157, 22020151, 23974870, 24586523). This variant is also known as 2184insA and c.2052_2053insA. ClinVar contains an entry for this variant (Variation ID: 35838). For these reasons, this variant has been classified as Pathogenic.

Dasa
Classification: Pathogenic. Last evaluated: 2025-12-13. Review status: criteria provided, single submitter. Criteria: DASA Assertion Criteria. Collection method: clinical testing. Allele origin: germline. Not counted in ClinVar's aggregate classification.
Comment: NM_000492.4(CFTR):c.2052dup (p.Gln685ThrfsTer4) introduces a premature termination codon predicted to result in loss of normal protein function. Loss-of-function is an established mechanism of disease for this gene. This variant has been recurrently observed in affected individuals with related phenotype in a genotype context consistent with recessive disease (PMID: 9272157; PMID: 7525450; PMID: 24586523; PMID: 23974870; PMID: 22020151). The variant is present at low frequency in population datasets. Based on the available data, this variant is classified as pathogenic.

Natera, Inc.
Classification: Pathogenic for CFTR-related disorders. Last evaluated: 2025-08-20. Review status: criteria provided, single submitter. Criteria: Natera Variant Classification Schema (03/2026). Collection method: clinical testing. Allele origin: germline. Not counted in ClinVar's aggregate classification.
Comment: The c.2052dupA variant in CFTR is a frameshift variant predicted to shift the reading frame beginning at codon 685 and leads to a stop codon 4 codons downstream. This variant is expected to result in nonsense mediated decay, truncation, or a dysfunctional protein product. This variant is rare in the general population with a frequency below the threshold expected for the associated phenotype(s). This variant has been observed in one or more individuals affected with the associated recessive disease, as either homozygous or compound heterozygous with a second variant (PMID: 30548586). Given the available evidence, this variant is classified as Pathogenic.

CeGaT Center for Human Genetics Tuebingen
Classification: Pathogenic. Last evaluated: 2025-05-01. Review status: criteria provided, single submitter. Criteria: CeGaT Center For Human Genetics Tuebingen Variant Classification Criteria Version 2. Collection method: clinical testing. Allele origin: germline. Affected: yes. Observed: 2 variant alleles. Not counted in ClinVar's aggregate classification.
Comment: CFTR: PM3:Very Strong, PVS1, PM2

First Genomix Gene Laboratory, Genetic Diagnostics Department
Classification: Pathogenic for Congenital bilateral aplasia of vas deferens from CFTR mutation; Cystic fibrosis. Last evaluated: 2025-04-11. Review status: criteria provided, single submitter. Criteria: ACMG Guidelines, 2015. Collection method: clinical testing. Allele origin: germline. Inheritance: Autosomal recessive inheritance. Affected: no. Observed: 1 variant allele. Not counted in ClinVar's aggregate classification.

Ambry Genetics
Classification: Pathogenic for Cystic fibrosis. Last evaluated: 2024-12-11. Review status: criteria provided, single submitter. Criteria: Ambry Variant Classification Scheme 2023. Collection method: clinical testing. Allele origin: germline. Not counted in ClinVar's aggregate classification.
Comment: The c.2052dupA pathogenic mutation (also known as 2184insA), located in coding exon 14 of the CFTR gene, results from a duplication of A at position 2052, causing a translational frameshift with a predicted alternate stop codon (p.Q685Tfs*4). This variant has been reported in multiple individuals diagnosed with cystic fibrosis (Ivanov M et al. BMC Med Genomics, 2018 Feb;11:13; Dork et al. Hum Genet. 1994;94(5):533-542; Makukh H et al. J Cyst Fibros. 2010;9(5):371-375; Sosnay PR et al. Nat Genet. 2013;45(10); Zitkiewicz E, PLoS ONE 2014; 9(2):e89094). In addition to the clinical data presented in the literature, this alteration is expected to result in loss of function by premature protein truncation or nonsense-mediated mRNA decay. As such, this alteration is interpreted as a disease-causing mutation.

Blueprint Genetics
Classification: Pathogenic for CFTR-related disorders. Last evaluated: 2024-09-18. Review status: criteria provided, single submitter. Criteria: ACMG Guidelines, 2015. Collection method: clinical testing. Allele origin: germline. Affected: yes. Observed: 5 variant alleles. Not counted in ClinVar's aggregate classification.

Revvity Omics, Revvity
Classification: Pathogenic. Last evaluated: 2024-08-19. Review status: criteria provided, single submitter. Criteria: ACMG Guidelines, 2015. Collection method: clinical testing. Allele origin: germline. Not counted in ClinVar's aggregate classification.